The following is an entry in ClinVar:

NM_000430.4(PAFAH1B1):c.1159+5del

Gene: PAFAH1B1 (platelet activating factor acetylhydrolase 1b regulatory subunit 1; plus strand). Cytogenetic location: 17p13.3.
Variant type: Deletion.
Coding change: c.1159+5del on transcript NM_000430.4 (MANE Select); 5 bases into the intron after coding-DNA position 1159, one base deleted (G; older notation c.1159+5delG).
Molecular consequence: intron variant.
Genome position (GRCh38, 1-based): chr17:2,680,325, G deleted. VCF-style (leftmost placement, unchanged base first): chr17-2680324-TG-T. GRCh37 (hg19) VCF-style: chr17-2583618-TG-T.
Identifiers: ClinVar variation 280461 (VCV000280461.2), dbSNP rs886041664, ClinGen allele CA10603587.
Genomic context (GRCh38, chr17:2,680,324, plus strand): 5'-AGAACAAGCGATGCATGAAGACCCTCAATGCGCATGAACACTTTGTTACCTCCTTGGGTA[TG>T]TACGCCTCGCGAGGTCTCTGAACATTAGATTTTGGAGTGCCAGACAAACTGTGTTTTACA-3'

ClinVar aggregate classification (germline): Pathogenic (1 of 4 stars; one submission).

Submission:

GeneDx
Classification: Pathogenic. Last evaluated: 2016-09-07. Review status: criteria provided, single submitter. Criteria: GeneDx Variant Classification (06012015). Collection method: clinical testing. Allele origin: germline. Affected: yes.
Comment: An apparently de novo c.1159+5delG pathogenic variant has been identified in the PAFAH1B1 gene. The c.1159+5delG variant has not been published as a pathogenic variant, nor has it been reported as a benign variant to our knowledge. It was not observed in approximately 6,500 individuals of European and African American ancestry in the NHLBI Exome Sequencing Project, indicating it is not a common benign variant in these populations. Several in-silico splice prediction models predict that c.1159+5delG destroys the natural splice donor site in intron 10 and leads to abnormal gene splicing. Therefore, the c.1159+5delG variant is interpreted to be pathogenic.